The following is an entry in ClinVar:

NM_002386.4(MC1R):c.622G>T (p.Val208Phe)

Gene: MC1R (melanocortin 1 receptor; plus strand). Cytogenetic location: 16q24.3.
Variant type: single nucleotide variant.
Coding change: c.622G>T on transcript NM_002386.4 (MANE Select); coding-DNA position 622, G replaced by T.
Protein change: p.Val208Phe; replaces valine 208 with phenylalanine.
Molecular consequence: missense variant.
Genome position (GRCh38, 1-based): chr16:89,919,880, G>T. VCF-style: chr16-89919880-G-T. GRCh37 (hg19) VCF-style: chr16-89986288-G-T.
Other names: short protein forms V208F.
Identifiers: ClinVar variation 1387385 (VCV001387385.8), dbSNP rs775933691, ClinGen allele CA397462388.

ClinVar aggregate classification (germline): Uncertain significance (1 of 4 stars; one submission).

Conditions:
Melanoma, cutaneous malignant, susceptibility to, 5. Also called: Cutaneous malignant melanoma 5. Identifiers: Orphanet 618, MedGen C2751295, MONDO:0013133, OMIM 613099.

Submission:

Labcorp Genetics (formerly Invitae), Labcorp
Classification: Uncertain significance for Melanoma, cutaneous malignant, susceptibility to, 5. Last evaluated: 2023-09-12. Review status: criteria provided, single submitter. Criteria: Invitae Variant Classification Sherloc (09022015). Collection method: clinical testing. Allele origin: germline.
Comment: In summary, the available evidence is currently insufficient to determine the role of this variant in disease. Therefore, it has been classified as a Variant of Uncertain Significance. Advanced modeling of protein sequence and biophysical properties (such as structural, functional, and spatial information, amino acid conservation, physicochemical variation, residue mobility, and thermodynamic stability) performed at Invitae indicates that this missense variant is not expected to disrupt MC1R protein function. ClinVar contains an entry for this variant (Variation ID: 1387385). This variant has not been reported in the literature in individuals affected with MC1R-related conditions. This variant is not present in population databases (gnomAD no frequency). This sequence change replaces valine, which is neutral and non-polar, with phenylalanine, which is neutral and non-polar, at codon 208 of the MC1R protein (p.Val208Phe).